The following is an entry in ClinVar:

ClinVar aggregate classification (germline): Uncertain significance. Review status: criteria provided, multiple submitters, no conflicts (2 of 4 stars). 2 submissions from 2 submitters: Uncertain significance (2). Last evaluated 2025-08-11.

Conditions:
Rubinstein-Taybi syndrome due to EP300 haploinsufficiency. Also called: RUBINSTEIN-TAYBI SYNDROME 2; EP300-Related Rubinstein-Taybi Syndrome. Identifiers: Orphanet 353284, Orphanet 783, MedGen C3150941, MONDO:0013364, OMIM 613684.
EP300-related disorder. Also called: EP300-related disorders; EP300-related condition.

Submissions (2):

Labcorp Genetics (formerly Invitae), Labcorp
Classification: Uncertain significance for Rubinstein-Taybi syndrome due to EP300 haploinsufficiency. Last evaluated: 2025-08-11. Review status: criteria provided, single submitter. Criteria: Invitae Variant Classification Sherloc (09022015). Collection method: clinical testing. Allele origin: germline.
Comment: This variant, c.6674_6676dup, results in the insertion of 1 amino acid(s) of the EP300 protein (p.Gln2225dup), but otherwise preserves the integrity of the reading frame. This variant is present in population databases (rs761639659, gnomAD 0.02%). This variant has not been reported in the literature in individuals affected with EP300-related conditions. In summary, the available evidence is currently insufficient to determine the role of this variant in disease. Therefore, it has been classified as a Variant of Uncertain Significance.

PreventionGenetics, part of Exact Sciences
Classification: Uncertain significance for EP300-related condition. Last evaluated: 2025-03-25. Review status: criteria provided, single submitter. Criteria: ACMG Guidelines, 2015. Collection method: clinical testing. Allele origin: germline.
Comment: The EP300 c.6674_6676dupAGC variant is predicted to result in an in-frame duplication (p.Gln2225dup). To our knowledge, this variant has not been reported in the literature. This variant is reported in 0.023% of alleles in individuals of South Asian descent in gnomAD, which may be too common to be a primary cause of disease. Although we suspect that this variant may be benign, at this time, the clinical significance of this variant is uncertain due to the absence of conclusive functional and genetic evidence.

NM_001429.4(EP300):c.6665AGC[5] (p.Gln2225_Arg2226insGln)

Gene: EP300 (EP300 lysine acetyltransferase; plus strand). Cytogenetic location: 22q13.2.
Variant type: Microsatellite.
Coding change: c.6665AGC[5] on transcript NM_001429.4 (MANE Select); five copies in a row of the 3-base unit AGC starting at c.6665; the reference has four copies in a row; one copy, 3 bases duplicated.
Protein change: p.Gln2225_Arg2226insGln.
Molecular consequence: inframe insertion.
Genome position (GRCh38, 1-based): chr22:41,178,385-41,178,387, AGC duplicated; duplicating any 3 consecutive bases within chr22:41,178,375-41,178,387 gives the same sequence; the position shown is the placement nearest the transcript's 3' end. VCF-style (leftmost placement, unchanged base first): chr22-41178374-A-ACAG. GRCh37 (hg19) VCF-style: chr22-41574378-A-ACAG.
Other names: c.6587AGC[5], p.Gln2199_Arg2200insGln (NM_001362843.2); c.6674_6676dupAGC (NM_001429.3).
Identifiers: ClinVar variation 4749535 (VCV004749535.2).
Genomic context (GRCh38, chr22:41,178,374, plus strand): 5'-AGGCCCTGGAATGGCCAACCATAACCAGTTCCAGCAACCCCAAGGAGTTGGCTACCCACC[A>ACAG]CAGCAGCAGCAGCGGATGCAGCATCACATGCAACAGATGCAACAAGGAAATATGGGACAG-3'